The following is an entry in ClinVar:

NM_001267550.2(TTN):c.42919_42923del (p.Lys14307fs)

Gene: TTN (titin; minus strand). Cytogenetic location: 2q31.2.
Variant type: Deletion.
Coding change: c.42919_42923del on transcript NM_001267550.2 (MANE Select); coding-DNA positions 42919 to 42923, 5 bases deleted (AAGAC; older notation c.42919_42923delAAGAC).
Protein change: p.Lys14307fs; shifts the reading frame from lysine 14307.
Molecular consequence: frameshift variant.
Genome position (GRCh38, 1-based): chr2:178,633,436-178,633,440, GTCTT deleted on the plus strand (AAGAC on the coding strand, the reverse complement: TTN is on the minus strand); deleting any 5 consecutive bases within chr2:178,633,436-178,633,444 gives the same sequence; the c. name uses the placement nearest the transcript's 3' end. VCF-style (leftmost placement, unchanged base first): chr2-178633435-GGTCTT-G. GRCh37 (hg19) VCF-style: chr2-179498162-GGTCTT-G.
Other names: c.37996_38000del, p.Lys12666fs (NM_001256850.1); c.15724_15728del, p.Lys5242fs (NM_003319.4); c.35215_35219del, p.Lys11739fs (NM_133378.4); c.16099_16103del, p.Lys5367fs (NM_133432.3); c.16300_16304del, p.Lys5434fs (NM_133437.4); c.42919_42923delAAGAC (NM_001267550.2); short protein forms K12666fs, K14307fs, K5242fs, K11739fs, K5367fs, K5434fs.
Identifiers: ClinVar variation 405117 (VCV000405117.9), dbSNP rs1060500566, ClinGen allele CA16610409.

ClinVar aggregate classification (germline): Likely pathogenic (1 of 4 stars; one submission).

Conditions:
Dilated cardiomyopathy 1G (CMD1G). Identifiers: Orphanet 154, MedGen C1858763, MONDO:0011400, OMIM 604145.
Autosomal recessive limb-girdle muscular dystrophy type 2J (LGMDR10). Also called: Limb-girdle muscular dystrophy, type 2J; MUSCULAR DYSTROPHY, LIMB-GIRDLE, AUTOSOMAL RECESSIVE 10. Identifiers: Orphanet 140922, MedGen C1837342, MONDO:0012127, OMIM 608807.

Submission:

Labcorp Genetics (formerly Invitae), Labcorp
Classification: Likely pathogenic for Dilated cardiomyopathy 1G; Autosomal recessive limb-girdle muscular dystrophy type 2J. Last evaluated: 2024-02-05. Review status: criteria provided, single submitter. Criteria: Invitae Variant Classification Sherloc (09022015). Collection method: clinical testing. Allele origin: germline.
Comment: This sequence change creates a premature translational stop signal (p.Lys14307Glnfs*7) in the TTN gene. While this is not anticipated to result in nonsense mediated decay, it is expected to create a truncated TTN protein. This variant is not present in population databases (gnomAD no frequency). This premature translational stop signal has been observed in individual(s) with clinical features of TTN-related conditions (Invitae). ClinVar contains an entry for this variant (Variation ID: 405117). This variant is located in the I band of TTN (PMID: 25589632). Truncating variants in this region have been reported in individuals affected with autosomal recessive centronuclear myopathy (PMID: 23975875, Invitae internal data). Truncating variants in this region have also been identified in individuals affected with autosomal dominant dilated cardiomyopathy and/or cardio-related conditions (PMID: 27869827, 32964742, Invitae internal data). In summary, the currently available evidence indicates that the variant is pathogenic, but additional data are needed to prove that conclusively. Therefore, this variant has been classified as Likely Pathogenic.

Literature cited by the submitters: PubMed 25589632; PubMed 23975875; PubMed 27869827; PubMed 32964742.